The following is an entry in ClinVar:

ClinVar aggregate classification (germline): Uncertain significance. Review status: criteria provided, multiple submitters, no conflicts (2 of 4 stars). 5 submissions from 5 submitters: Uncertain significance (5). Last evaluated 2026-02-18.

Conditions:
AGK-related disorder. Also called: AGK-related condition; AGK-related disorders. Identifiers: MedGen CN239194.
Cataract 38. Also called: Cataract, autosomal recessive congenital 5; Cataract 38, autosomal recessive. Identifiers: Orphanet 91492, MedGen C3553494, MONDO:0013859, OMIM 614691.
Sengers syndrome. Also called: MITOCHONDRIAL DNA DEPLETION SYNDROME 10 (CARDIOMYOPATHIC TYPE); Cardiomyopathy and cataract. Identifiers: Orphanet 1369, MedGen C1859317, MONDO:0008922, OMIM 212350.
Inborn genetic diseases. Identifiers: MedGen C0950123, MeSH D030342.

Allele frequency attached by ClinVar (database versions not stated): gnomAD exomes 0.00002; ExAC 0.00007; ESP Exome Variant Server 0.00015; gnomAD 0.00015; TOPMed 0.00020.
gnomAD v4.1: 51 of 1,613,844 alleles (0.0032%); highest among the groups gnomAD compares: African/African-American, 0.051%; no homozygotes.

Submissions (5):

Women's Health and Genetics/Laboratory Corporation of America, LabCorp
Classification: Uncertain significance. Last evaluated: 2026-02-18. Review status: criteria provided, single submitter. Criteria: LabCorp Variant Classification Summary - May 2015. Collection method: clinical testing. Allele origin: germline.
Comment: Variant summary: AGK c.622G>A (p.Gly208Ser) results in a non-conservative amino acid change in the encoded protein sequence. Algorithms developed to predict the effect of missense changes on protein structure and function are either unavailable or do not agree on the potential impact of this missense change. The variant allele was found at a frequency of 6.4e-05 in 251324 control chromosomes. This frequency is not significantly higher than estimated for disease-causing variants in AGK, allowing no conclusion about variant significance. To our knowledge, no occurrence of c.622G>A in individuals affected with AGK-related conditions and no experimental evidence demonstrating its impact on protein function have been reported. ClinVar contains an entry for this variant (Variation ID: 2075824). Based on the evidence outlined above, the variant was classified as uncertain significance.

PreventionGenetics, part of Exact Sciences
Classification: Uncertain significance for AGK-related condition. Last evaluated: 2024-10-17. Review status: criteria provided, single submitter. Criteria: ACMG Guidelines, 2015. Collection method: clinical testing. Allele origin: germline.
Comment: The AGK c.622G>A variant is predicted to result in the amino acid substitution p.Gly208Ser. To our knowledge, this variant has not been reported in the literature. This variant is reported in 0.060% of alleles in individuals of African descent in gnomAD. Although we suspect that this variant may be benign, at this time, the clinical significance of this variant is uncertain due to the absence of conclusive functional and genetic evidence.

Mayo Clinic Laboratories, Mayo Clinic
Classification: Uncertain significance. Last evaluated: 2024-02-29. Review status: criteria provided, single submitter. Criteria: ACMG Guidelines, 2015. Collection method: clinical testing. Allele origin: germline. Observed: 1 variant allele.
Comment: BP4

Labcorp Genetics (formerly Invitae), Labcorp
Classification: Uncertain significance for Sengers syndrome; Cataract 38. Last evaluated: 2021-12-15. Review status: criteria provided, single submitter. Criteria: Invitae Variant Classification Sherloc (09022015). Collection method: clinical testing. Allele origin: germline.
Comment: In summary, the available evidence is currently insufficient to determine the role of this variant in disease. Therefore, it has been classified as a Variant of Uncertain Significance. Algorithms developed to predict the effect of sequence changes on RNA splicing suggest that this variant may create or strengthen a splice site. Algorithms developed to predict the effect of missense changes on protein structure and function (SIFT, PolyPhen-2, Align-GVGD) all suggest that this variant is likely to be tolerated. This variant has not been reported in the literature in individuals affected with AGK-related conditions. This variant is present in population databases (rs376000469, gnomAD 0.06%). This sequence change replaces glycine, which is neutral and non-polar, with serine, which is neutral and polar, at codon 208 of the AGK protein (p.Gly208Ser).

Ambry Genetics
Classification: Uncertain significance for Inborn genetic diseases. Last evaluated: 2021-10-14. Review status: criteria provided, single submitter. Criteria: Ambry Variant Classification Scheme 2023. Collection method: clinical testing. Allele origin: germline.

NM_018238.4(AGK):c.622G>A (p.Gly208Ser)

Gene: AGK (acylglycerol kinase; plus strand). Cytogenetic location: 7q34.
Variant type: single nucleotide variant.
Coding change: c.622G>A on transcript NM_018238.4 (MANE Select); coding-DNA position 622, G replaced by A.
Protein change: p.Gly208Ser; replaces glycine 208 with serine.
Molecular consequence: missense variant.
Genome position (GRCh38, 1-based): chr7:141,633,934, G>A. VCF-style: chr7-141633934-G-A. GRCh37 (hg19) VCF-style: chr7-141333734-G-A.
Other names: p.Gly208Ser; c.622G>A, p.Gly208Ser (NM_001364948.3); short protein forms G208S.
Identifiers: ClinVar variation 2075824 (VCV002075824.6), dbSNP rs376000469, ClinGen allele CA4517520.